The following is an entry in ClinVar:

NM_002474.3(MYH11):c.1816C>G (p.Leu606Val)

Gene: MYH11 (myosin heavy chain 11; minus strand). Cytogenetic location: 16p13.11.
Variant type: single nucleotide variant.
Coding change: c.1816C>G on transcript NM_002474.3 (MANE Select); coding-DNA position 1816, C replaced by G.
Protein change: p.Leu606Val; replaces leucine 606 with valine.
Molecular consequence: missense variant.
Genome position (GRCh38, 1-based): chr16:15,753,442, G>C on the plus strand (C>G on the coding strand, the complement: MYH11 is on the minus strand). VCF-style: chr16-15753442-G-C. GRCh37 (hg19) VCF-style: chr16-15847299-G-C.
Other names: c.1837C>G, p.Leu613Val (NM_001040113.2, NM_001040114.2); c.1816C>G, p.Leu606Val (NM_022844.3); short protein forms L606V, L613V.
Identifiers: ClinVar variation 3658283 (VCV003658283.2).
Genomic context (GRCh38, chr16:15,753,442, plus strand): 5'-AGAAGGCCTTACCGTCCTTCCACAGGTCGGCCACAAACTTGTCGGAGGAGGCATTGAGCA[G>C]GGAAGTCACGTTGTCATTCAGCGGGTCCATATTCTTGGTCAGCCAGGCACTCGCATTATA-3'
Protein context (NP_002465.1, residues 596-616): MDPLNDNVTS[Leu606Val]LNASSDKFVA

ClinVar aggregate classification (germline): Uncertain significance (1 of 4 stars; one submission).

Conditions:
Aortic aneurysm, familial thoracic 4 (AAT4). Also called: AORTIC ANEURYSM/AORTIC DISSECTION AND PATENT DUCTUS ARTERIOSUS. Identifiers: MedGen C1851504, MONDO:0007568, OMIM 132900.

Submission:

Labcorp Genetics (formerly Invitae), Labcorp
Classification: Uncertain significance for Aortic aneurysm, familial thoracic 4. Last evaluated: 2024-06-30. Review status: criteria provided, single submitter. Criteria: Invitae Variant Classification Sherloc (09022015). Collection method: clinical testing. Allele origin: germline.
Comment: This sequence change replaces leucine, which is neutral and non-polar, with valine, which is neutral and non-polar, at codon 613 of the MYH11 protein (p.Leu613Val). This variant is not present in population databases (gnomAD no frequency). This variant has not been reported in the literature in individuals affected with MYH11-related conditions. Advanced modeling of protein sequence and biophysical properties (such as structural, functional, and spatial information, amino acid conservation, physicochemical variation, residue mobility, and thermodynamic stability) performed at Invitae indicates that this missense variant is not expected to disrupt MYH11 protein function with a negative predictive value of 95%. In summary, the available evidence is currently insufficient to determine the role of this variant in disease. Therefore, it has been classified as a Variant of Uncertain Significance.